The following is an entry in ClinVar:

ClinVar aggregate classification (germline): Uncertain significance (1 of 4 stars; one submission).

gnomAD v4.1: 1 of 1,614,220 alleles (0.000062%); highest among the groups gnomAD compares: Non-Finnish European, 0.000085%; no homozygotes.

Submission:

GeneDx
Classification: Uncertain significance. Last evaluated: 2025-09-29. Review status: criteria provided, single submitter. Criteria: GeneDx Variant Classification Process June 2021. Collection method: clinical testing. Allele origin: germline.
Comment: Not observed at significant frequency in large population cohorts (gnomAD); In silico analysis supports that this missense variant has a deleterious effect on protein structure/function; Has not been previously published as pathogenic or benign to our knowledge

NM_001256071.3(RNF213):c.7411G>A (p.Ala2471Thr)

Gene: RNF213 (ring finger protein 213; plus strand). Cytogenetic location: 17q25.3.
Variant type: single nucleotide variant.
Coding change: c.7411G>A on transcript NM_001256071.3 (MANE Select); coding-DNA position 7411, G replaced by A.
Protein change: p.Ala2471Thr; replaces alanine 2471 with threonine.
Molecular consequence: missense variant.
Genome position (GRCh38, 1-based): chr17:80,345,746, G>A. VCF-style: chr17-80345746-G-A. GRCh37 (hg19) VCF-style: chr17-78319546-G-A.
Other names: c.7558G>A, p.Ala2520Thr (NM_001410195.1, NM_020914.5); short protein forms A2471T, A2520T.
Identifiers: ClinVar variation 4086538 (VCV004086538.2).
Genomic context (GRCh38, chr17:80,345,746, plus strand): 5'-GTGCACGGAGGAACAACTGCAGACATGATCTACTCCAGAGTCAGGGAGGCTGAAAATGTG[G>A]CCTTCGCCAATAAGGACCAACATCAGTTGGACACCATCTTGTTTTTTGATGAAGCCAACA-3'
Protein context (NP_001243000.2, residues 2461-2481): YSRVREAENV[Ala2471Thr]FANKDQHQLD